The following is an entry in ClinVar:

NM_001130438.3(SPTAN1):c.6816C>A (p.Asp2272Glu)

Gene: SPTAN1 (spectrin alpha, non-erythrocytic 1; plus strand). Cytogenetic location: 9q34.11.
Variant type: single nucleotide variant.
Coding change: c.6816C>A on transcript NM_001130438.3 (MANE Select); coding-DNA position 6816, C replaced by A.
Protein change: p.Asp2272Glu; replaces aspartic acid 2272 with glutamic acid.
Molecular consequence: missense variant.
Genome position (GRCh38, 1-based): chr9:128,632,180, C>A. VCF-style: chr9-128632180-C-A. GRCh37 (hg19) VCF-style: chr9-131394459-C-A.
Other names: c.6741C>A, p.Asp2247Glu (NM_001195532.2); c.6879C>A, p.Asp2293Glu (NM_001363759.2); c.6756C>A, p.Asp2252Glu (NM_001363765.2, NM_001375314.2); c.6903C>A, p.Asp2301Glu (NM_001375310.1); c.6816C>A, p.Asp2272Glu (NM_001375311.2); c.6852C>A, p.Asp2284Glu (NM_001375312.2); c.6798C>A, p.Asp2266Glu (NM_001375313.1); c.6915C>A, p.Asp2305Glu (NM_001375318.1); and 1 more; short protein forms D2247E, D2301E, D2305E, D2284E, D2272E, D2293E, D2252E, D2266E.
Identifiers: ClinVar variation 2075765 (VCV002075765.4), dbSNP rs1859860334, ClinGen allele CA375097632.

ClinVar aggregate classification (germline): Uncertain significance (1 of 4 stars; one submission).

Conditions:
Early-infantile DEE. Also called: Ohtahara syndrome; Early infantile epileptic encephalopathy with suppression bursts; Early infantile epileptic encephalopathy. Identifiers: Orphanet 1934, MedGen C0393706, MONDO:0800491.

Allele frequency attached by ClinVar (database versions not stated): TOPMed 0.00002.

Submission:

Labcorp Genetics (formerly Invitae), Labcorp
Classification: Uncertain significance for Early-infantile DEE. Last evaluated: 2025-03-17. Review status: criteria provided, single submitter. Criteria: Invitae Variant Classification Sherloc (09022015). Collection method: clinical testing. Allele origin: germline.
Comment: This sequence change replaces aspartic acid, which is acidic and polar, with glutamic acid, which is acidic and polar, at codon 2272 of the SPTAN1 protein (p.Asp2272Glu). This variant is not present in population databases (gnomAD no frequency). This variant has not been reported in the literature in individuals affected with SPTAN1-related conditions. ClinVar contains an entry for this variant (Variation ID: 2075765). Invitae Evidence Modeling of protein sequence and biophysical properties (such as structural, functional, and spatial information, amino acid conservation, physicochemical variation, residue mobility, and thermodynamic stability) has been performed for this missense variant. However, the output from this modeling did not meet the statistical confidence thresholds required to predict the impact of this variant on SPTAN1 protein function. In summary, the available evidence is currently insufficient to determine the role of this variant in disease. Therefore, it has been classified as a Variant of Uncertain Significance.